The following is an entry in ClinVar:

ClinVar aggregate classification (germline): Uncertain significance (1 of 4 stars; one submission).

Conditions:
Familial temporal lobe epilepsy 7. Identifiers: Orphanet 101046, MedGen C4225327, MONDO:0014639, OMIM 616436.
Norman-Roberts syndrome (LIS2). Also called: Lissencephaly 2 (Norman-Roberts type). Identifiers: Orphanet 89844, MedGen C0796089, MONDO:0009760, OMIM 257320.

Submission:

Labcorp Genetics (formerly Invitae), Labcorp
Classification: Uncertain significance for Familial temporal lobe epilepsy 7; Norman-Roberts syndrome. Last evaluated: 2024-12-24. Review status: criteria provided, single submitter. Criteria: Invitae Variant Classification Sherloc (09022015). Collection method: clinical testing. Allele origin: germline.
Comment: This sequence change replaces lysine, which is basic and polar, with arginine, which is basic and polar, at codon 1383 of the RELN protein (p.Lys1383Arg). This variant is not present in population databases (gnomAD no frequency). This variant has not been reported in the literature in individuals affected with RELN-related conditions. An algorithm developed to predict the effect of missense changes on protein structure and function (PolyPhen-2) suggests that this variant is likely to be tolerated. Algorithms developed to predict the effect of sequence changes on RNA splicing suggest that this variant may create or strengthen a splice site. In summary, the available evidence is currently insufficient to determine the role of this variant in disease. Therefore, it has been classified as a Variant of Uncertain Significance.

NM_005045.4(RELN):c.4148A>G (p.Lys1383Arg)

Gene: RELN (reelin; minus strand). Cytogenetic location: 7q22.1.
Variant type: single nucleotide variant.
Coding change: c.4148A>G on transcript NM_005045.4 (MANE Select); coding-DNA position 4148, A replaced by G.
Protein change: p.Lys1383Arg; replaces lysine 1383 with arginine.
Molecular consequence: missense variant.
Genome position (GRCh38, 1-based): chr7:103,575,703, T>C on the plus strand (A>G on the coding strand, the complement: RELN is on the minus strand). VCF-style: chr7-103575703-T-C. GRCh37 (hg19) VCF-style: chr7-103216150-T-C.
Other names: c.4148A>G, p.Lys1383Arg (NM_173054.3); short protein forms K1383R.
Identifiers: ClinVar variation 3763950 (VCV003763950.2).
Genomic context (GRCh38, chr7:103,575,703, plus strand): 5'-AAACCAAATGGAGGCACGTTTTTCTGTGAGCTGCTCTCCTGGATCCATCGGAATCTGGTC[T>C]TGCTGTTGGGAAAAACAACACACCTGTTTCTTGTACCAACATCTCATATCAAAGCATTGG-3'
Protein context (NP_005036.2, residues 1373-1393): IVIPRSLASS[Lys1383Arg]TRFRWIQESS